The following is an entry in ClinVar:

ClinVar aggregate classification (germline): Uncertain significance (1 of 4 stars; one submission).

Submission:

GeneDx
Classification: Uncertain significance. Last evaluated: 2026-03-10. Review status: criteria provided, single submitter. Criteria: GeneDx Variant Classification Process June 2021. Collection method: clinical testing. Allele origin: germline.
Comment: Not observed at significant frequency in large population cohorts (gnomAD); In silico analysis supports that this missense variant has a deleterious effect on protein structure/function; Has not been previously published as pathogenic or benign to our knowledge

NM_001170629.2(CHD8):c.5419T>C (p.Tyr1807His)

Gene: CHD8 (chromodomain helicase DNA binding protein 8; minus strand). Cytogenetic location: 14q11.2.
Variant type: single nucleotide variant.
Coding change: c.5419T>C on transcript NM_001170629.2 (MANE Select); coding-DNA position 5419, T replaced by C.
Protein change: p.Tyr1807His; replaces tyrosine 1807 with histidine.
Molecular consequence: missense variant.
Genome position (GRCh38, 1-based): chr14:21,394,457, A>G on the plus strand (T>C on the coding strand, the complement: CHD8 is on the minus strand). VCF-style: chr14-21394457-A-G. GRCh37 (hg19) VCF-style: chr14-21862616-A-G.
Other names: c.4582T>C, p.Tyr1528His (NM_020920.4); short protein forms Y1528H, Y1807H.
Identifiers: ClinVar variation 5008960 (VCV005008960.1).